The following is an entry in ClinVar:

NM_182916.3(TRNT1):c.107A>G (p.Glu36Gly)

Gene: TRNT1 (tRNA nucleotidyl transferase 1; plus strand). Cytogenetic location: 3p26.2.
Variant type: single nucleotide variant.
Coding change: c.107A>G on transcript NM_182916.3 (MANE Select); coding-DNA position 107, A replaced by G.
Protein change: p.Glu36Gly; replaces glutamic acid 36 with glycine.
Molecular consequence: missense variant. On other transcripts: non-coding transcript variant (11).
Genome position (GRCh38, 1-based): chr3:3,129,147, A>G. VCF-style: chr3-3129147-A-G. GRCh37 (hg19) VCF-style: chr3-3170831-A-G.
Other names: c.107A>G, p.Glu36Gly (NM_001302946.2, NM_001367321.1, NM_001367322.1 and 1 more transcripts); short protein forms E36G.
Identifiers: ClinVar variation 998597 (VCV000998597.5), dbSNP rs138682354, ClinGen allele CA2228516.

ClinVar aggregate classification (germline): Uncertain significance (1 of 4 stars; one submission).

Conditions:
Congenital sideroblastic anemia-B-cell immunodeficiency-periodic fever-developmental delay syndrome. Also called: Sideroblastic anemia with B-cell immunodeficiency, periodic fevers, and developmental delay. Identifiers: Orphanet 369861, MedGen C4015172, MONDO:0014487, OMIM 616084.

gnomAD v4.1: 1 of 1,614,186 alleles (0.000062%); highest among the groups gnomAD compares: Non-Finnish European, 0.000085%; no homozygotes.

Submission:

Labcorp Genetics (formerly Invitae), Labcorp
Classification: Uncertain significance for Congenital sideroblastic anemia-B-cell immunodeficiency-periodic fever-developmental delay syndrome. Last evaluated: 2020-08-11. Review status: criteria provided, single submitter. Criteria: Invitae Variant Classification Sherloc (09022015). Collection method: clinical testing. Allele origin: germline.
Comment: In summary, the available evidence is currently insufficient to determine the role of this variant in disease. Therefore, it has been classified as a Variant of Uncertain Significance. Algorithms developed to predict the effect of missense changes on protein structure and function are either unavailable or do not agree on the potential impact of this missense change (SIFT: "Deleterious"; PolyPhen-2: "Benign"; Align-GVGD: "Class C0"). This variant has not been reported in the literature in individuals with TRNT1-related conditions. This variant is present in population databases (rs138682354, ExAC 0.002%). This sequence change replaces glutamic acid with glycine at codon 36 of the TRNT1 protein (p.Glu36Gly). The glutamic acid residue is moderately conserved and there is a moderate physicochemical difference between glutamic acid and glycine.